The following is an entry in ClinVar:

NM_004560.4(ROR2):c.2443_2517del (p.Pro815_Pro839del)

Gene: ROR2 (receptor tyrosine kinase like orphan receptor 2; minus strand). Cytogenetic location: 9q22.31.
Variant type: Deletion.
Coding change: c.2443_2517del on transcript NM_004560.4 (MANE Select); coding-DNA positions 2443 to 2517, 75 bases deleted.
Protein change: p.Pro815_Pro839del.
Molecular consequence: inframe deletion.
Genome position (GRCh38, 1-based): chr9:91,723,977-91,724,051, 75 bases deleted. GRCh37 (hg19): chr9:94,486,263-94,486,337.
Identifiers: ClinVar variation 1390956 (VCV001390956.8), dbSNP rs2118608399, ClinGen allele CA2573144754.

ClinVar aggregate classification (germline): Uncertain significance (1 of 4 stars; one submission).

Submission:

Labcorp Genetics (formerly Invitae), Labcorp
Classification: Uncertain significance. Last evaluated: 2024-09-13. Review status: criteria provided, single submitter. Criteria: Invitae Variant Classification Sherloc (09022015). Collection method: clinical testing. Allele origin: germline.
Comment: This variant, c.2443_2517del, results in the deletion of 25 amino acid(s) of the ROR2 protein (p.Pro815_Pro839del), but otherwise preserves the integrity of the reading frame. This variant is not present in population databases (gnomAD no frequency). This variant has not been reported in the literature in individuals affected with ROR2-related conditions. ClinVar contains an entry for this variant (Variation ID: 1390956). In summary, the available evidence is currently insufficient to determine the role of this variant in disease. Therefore, it has been classified as a Variant of Uncertain Significance.